The following is an entry in ClinVar:

NM_024408.4(NOTCH2):c.3205C>T (p.Arg1069Trp)

Gene: NOTCH2 (notch receptor 2; minus strand). Cytogenetic location: 1p12.
Variant type: single nucleotide variant.
Coding change: c.3205C>T on transcript NM_024408.4 (MANE Select); coding-DNA position 3205, C replaced by T.
Protein change: p.Arg1069Trp; replaces arginine 1069 with tryptophan.
Molecular consequence: missense variant.
Genome position (GRCh38, 1-based): chr1:119,937,989, G>A on the plus strand (C>T on the coding strand, the complement: NOTCH2 is on the minus strand). VCF-style: chr1-119937989-G-A. GRCh37 (hg19) VCF-style: chr1-120480612-G-A.
Other names: c.3205C>T, p.Arg1069Trp (NM_001200001.2); short protein forms R1069W.
Identifiers: ClinVar variation 3629061 (VCV003629061.2).

ClinVar aggregate classification (germline): Uncertain significance (1 of 4 stars; one submission).

Conditions:
Hajdu-Cheney syndrome (HJCYS). Also called: Acroosteolysis dominant type; ACROOSTEOLYSIS WITH OSTEOPOROSIS AND CHANGES IN SKULL AND MANDIBLE; SERPENTINE FIBULA-POLYCYSTIC KIDNEY SYNDROME. Identifiers: Orphanet 955, MedGen C0917715, MONDO:0007057, OMIM 102500.

gnomAD v4.1: 17 of 1,614,018 alleles (0.0011%); highest among the groups gnomAD compares: East Asian, 0.0022%; no homozygotes.

Submission:

Labcorp Genetics (formerly Invitae), Labcorp
Classification: Uncertain significance for Hajdu-Cheney syndrome. Last evaluated: 2024-08-08. Review status: criteria provided, single submitter. Criteria: Invitae Variant Classification Sherloc (09022015). Collection method: clinical testing. Allele origin: germline.
Comment: This sequence change replaces arginine, which is basic and polar, with tryptophan, which is neutral and slightly polar, at codon 1069 of the NOTCH2 protein (p.Arg1069Trp). This variant is present in population databases (rs61752485, gnomAD 0.008%). This variant has not been reported in the literature in individuals affected with NOTCH2-related conditions. Advanced modeling of protein sequence and biophysical properties (such as structural, functional, and spatial information, amino acid conservation, physicochemical variation, residue mobility, and thermodynamic stability) performed at Invitae indicates that this missense variant is not expected to disrupt NOTCH2 protein function with a negative predictive value of 80%. In summary, the available evidence is currently insufficient to determine the role of this variant in disease. Therefore, it has been classified as a Variant of Uncertain Significance.